The following is an entry in ClinVar:

ClinVar aggregate classification (germline): Uncertain significance (1 of 4 stars; one submission).

Submission:

Labcorp Genetics (formerly Invitae), Labcorp
Classification: Uncertain significance. Last evaluated: 2023-11-10. Review status: criteria provided, single submitter. Criteria: Invitae Variant Classification Sherloc (09022015). Collection method: clinical testing. Allele origin: germline.
Comment: This sequence change replaces glycine, which is neutral and non-polar, with valine, which is neutral and non-polar, at codon 265 of the COL4A3 protein (p.Gly265Val). This variant is not present in population databases (gnomAD no frequency). This variant has not been reported in the literature in individuals affected with COL4A3-related conditions. Advanced modeling of protein sequence and biophysical properties (such as structural, functional, and spatial information, amino acid conservation, physicochemical variation, residue mobility, and thermodynamic stability) has been performed at Invitae for this missense variant, however the output from this modeling did not meet the statistical confidence thresholds required to predict the impact of this variant on COL4A3 protein function. This variant disrupts the p.Gly265 amino acid residue in COL4A3. Other variant(s) that disrupt this residue have been determined to be pathogenic (PMID: 24052634; Invitae). This suggests that this residue is clinically significant, and that variants that disrupt this residue are likely to be disease-causing. In summary, the available evidence is currently insufficient to determine the role of this variant in disease. Therefore, it has been classified as a Variant of Uncertain Significance.

Literature cited by the submitters: PubMed 24052634.

NM_000091.5(COL4A3):c.794G>T (p.Gly265Val)

Genes: COL4A3 (collagen type IV alpha 3 chain; plus strand), MFF-DT (MFF divergent transcript; minus strand). Cytogenetic location: 2q36.3.
Variant type: single nucleotide variant.
Coding change: c.794G>T on transcript NM_000091.5 (MANE Select); coding-DNA position 794, G replaced by T.
Protein change: p.Gly265Val; replaces glycine 265 with valine.
Molecular consequence: missense variant.
Genome position (GRCh38, 1-based): chr2:227,254,140, G>T. VCF-style: chr2-227254140-G-T. GRCh37 (hg19) VCF-style: chr2-228118856-G-T.
Other names: short protein forms G265V.
Identifiers: ClinVar variation 2768128 (VCV002768128.3), dbSNP rs2069988351, ClinGen allele CA350865914.